The following is an entry in ClinVar:

ClinVar aggregate classification (germline): Likely benign (1 of 4 stars; one submission).

gnomAD v4.1: 36 of 1,613,994 alleles (0.0022%); highest among the groups gnomAD compares: Admixed American, 0.0067%; no homozygotes.

Submission:

CeGaT Center for Human Genetics Tuebingen
Classification: Likely benign. Last evaluated: 2026-04-01. Review status: criteria provided, single submitter. Criteria: CeGaT Center For Human Genetics Tuebingen Variant Classification Criteria Version 2. Collection method: clinical testing. Allele origin: germline. Affected: yes. Observed: 1 variant allele.
Comment: KDM6B: BP4, BP7

NM_001348716.2(KDM6B):c.408C>T (p.Tyr136=)

Gene: KDM6B (lysine demethylase 6B; plus strand). Cytogenetic location: 17p13.1.
Variant type: single nucleotide variant.
Coding change: c.408C>T on transcript NM_001348716.2 (MANE Select); coding-DNA position 408, C replaced by T.
Protein change: p.Tyr136=; no amino-acid change (tyrosine 136 retained).
Molecular consequence: synonymous variant.
Genome position (GRCh38, 1-based): chr17:7,846,249, C>T. VCF-style: chr17-7846249-C-T. GRCh37 (hg19) VCF-style: chr17-7749567-C-T.
Other names: c.408C>T, p.Tyr136= (NM_001080424.2).
Identifiers: ClinVar variation 4873479 (VCV004873479.2).